The following is an entry in ClinVar:

ClinVar aggregate classification (germline): Uncertain significance (1 of 4 stars; one submission).

gnomAD v4.1: 2 of 1,614,202 alleles (0.00012%); highest among the groups gnomAD compares: Non-Finnish European, 0.00017%; no homozygotes.

Submission:

Labcorp Genetics (formerly Invitae), Labcorp
Classification: Uncertain significance. Last evaluated: 2025-07-21. Review status: criteria provided, single submitter. Criteria: Invitae Variant Classification Sherloc (09022015). Collection method: clinical testing. Allele origin: germline.
Comment: This sequence change replaces isoleucine, which is neutral and non-polar, with methionine, which is neutral and non-polar, at codon 4287 of the ANK3 protein (p.Ile4287Met). This variant is not present in population databases (gnomAD no frequency). This variant has not been reported in the literature in individuals affected with ANK3-related conditions. Invitae Evidence Modeling of protein sequence and biophysical properties (such as structural, functional, and spatial information, amino acid conservation, physicochemical variation, residue mobility, and thermodynamic stability) indicates that this missense variant is not expected to disrupt ANK3 protein function with a negative predictive value of 80%. In summary, the available evidence is currently insufficient to determine the role of this variant in disease. Therefore, it has been classified as a Variant of Uncertain Significance.

NM_020987.5(ANK3):c.12861A>G (p.Ile4287Met)

Gene: ANK3 (ankyrin 3; minus strand). Cytogenetic location: 10q21.2.
Variant type: single nucleotide variant.
Coding change: c.12861A>G on transcript NM_020987.5 (MANE Select); coding-DNA position 12861, A replaced by G.
Protein change: p.Ile4287Met; replaces isoleucine 4287 with methionine.
Molecular consequence: missense variant.
Genome position (GRCh38, 1-based): chr10:60,055,862, T>C on the plus strand (A>G on the coding strand, the complement: ANK3 is on the minus strand). VCF-style: chr10-60055862-T-C. GRCh37 (hg19) VCF-style: chr10-61815620-T-C.
Other names: c.2733A>G, p.Ile911Met (NM_001149.4); c.5313A>G, p.Ile1771Met (NM_001204403.2); c.5334A>G, p.Ile1778Met (NM_001204404.2); c.5331A>G, p.Ile1777Met (NM_001320874.2); short protein forms I1771M, I4287M, I911M, I1777M, I1778M.
Identifiers: ClinVar variation 4708808 (VCV004708808.1).
Genomic context (GRCh38, chr10:60,055,862, plus strand): 5'-TAGAGATTTCTGATATGCTGCTAGTGGTGATGCTGGTTCTTCAACATGACCAGATCCATG[T>C]ATTTTTGGTTTCAGAGTTTCCTTGGTACTCTGTTTTCCTACATCATTTTGGGATTCTGGA-3'
Protein context (NP_066267.2, residues 4277-4297): QSTKETLKPK[Ile4287Met]HGSGHVEEPA